The following is an entry in ClinVar:

NM_001374828.1(ARID1B):c.1025A>G (p.Gln342Arg)

Gene: ARID1B (AT-rich interaction domain 1B; plus strand). Cytogenetic location: 6q25.3.
Variant type: single nucleotide variant.
Coding change: c.1025A>G on transcript NM_001374828.1 (MANE Select); coding-DNA position 1025, A replaced by G.
Protein change: p.Gln342Arg; replaces glutamine 342 with arginine.
Molecular consequence: missense variant.
Genome position (GRCh38, 1-based): chr6:156,778,705, A>G. VCF-style: chr6-156778705-A-G. GRCh37 (hg19) VCF-style: chr6-157099839-A-G.
Other names: c.776A>G (NM_020732.3); c.1025A>G, p.Gln342Arg (NM_001371656.1, NM_001374820.1, NM_017519.3); short protein forms Q342R.
Identifiers: ClinVar variation 1307341 (VCV001307341.2), dbSNP rs2114982895, ClinGen allele CA366382848.

ClinVar aggregate classification (germline): Uncertain significance (1 of 4 stars; one submission).

Submission:

GeneDx
Classification: Uncertain significance. Last evaluated: 2019-08-07. Review status: criteria provided, single submitter. Criteria: GeneDx Variant Classification Process June 2021. Collection method: clinical testing. Allele origin: germline. Affected: yes.
Comment: Not observed in large population cohorts (Lek et al., 2016); In silico analysis, which includes protein predictors and evolutionary conservation, supports that this variant does not alter protein structure/function; Has not been previously published as pathogenic or benign to our knowledge